The following is an entry in ClinVar:

NM_024870.4(PREX2):c.1657G>A (p.Glu553Lys)

Gene: PREX2 (phosphatidylinositol-3,4,5-trisphosphate dependent Rac exchange factor 2; plus strand). Cytogenetic location: 8q13.2.
Variant type: single nucleotide variant.
Coding change: c.1657G>A on transcript NM_024870.4 (MANE Select); coding-DNA position 1657, G replaced by A.
Protein change: p.Glu553Lys; replaces glutamic acid 553 with lysine.
Molecular consequence: missense variant.
Genome position (GRCh38, 1-based): chr8:68,080,457, G>A. VCF-style: chr8-68080457-G-A. GRCh37 (hg19) VCF-style: chr8-68992692-G-A.
Other names: c.1657G>A, p.Glu553Lys (NM_025170.6); short protein forms E553K.
Identifiers: ClinVar variation 3937941 (VCV003937941.2).

ClinVar aggregate classification (germline): Uncertain significance (1 of 4 stars; one submission).

Submission:

Ambry Genetics
Classification: Uncertain significance. Last evaluated: 2026-07-01. Review status: criteria provided, single submitter. Criteria: Ambry Variant Classification Scheme 2023. Collection method: clinical testing. Allele origin: germline.
Comment: The p.E553K variant (also known as c.1657G>A), located in coding exon 16 of the PREX2 gene, results from a G to A substitution at nucleotide position 1657. The glutamic acid at codon 553 is replaced by lysine, an amino acid with similar properties. This amino acid position is conserved. In addition, the in silico prediction for this alteration is inconclusive. Based on the available evidence, the clinical significance of this variant remains unclear.